The following is an entry in ClinVar:

ClinVar aggregate classification (germline): Uncertain significance. Review status: criteria provided, multiple submitters, no conflicts (2 of 4 stars). 3 submissions from 3 submitters: Uncertain significance (3). Last evaluated 2026-02-03.

Conditions:
Epilepsy, familial focal, with variable foci 4 (FFEVF4). Identifiers: MedGen C4693694, MONDO:0054776, OMIM 617935.

Allele frequency attached by ClinVar (database versions not stated): ExAC 0.00002; gnomAD 0.00006 and 0.00005; gnomAD exomes 0.00002 and 0.00009; TOPMed 0.00006.
gnomAD v4.1: 132 of 1,612,568 alleles (0.0082%); highest among the groups gnomAD compares: Non-Finnish European, 0.011%; no homozygotes.

Submissions (3):

Labcorp Genetics (formerly Invitae), Labcorp
Classification: Uncertain significance. Last evaluated: 2026-02-03. Review status: criteria provided, single submitter. Criteria: Invitae Variant Classification Sherloc (09022015). Collection method: clinical testing. Allele origin: germline.
Comment: This sequence change replaces serine, which is neutral and polar, with cysteine, which is neutral and slightly polar, at codon 1961 of the SCN3A protein (p.Ser1961Cys). This variant is present in population databases (rs184544899, gnomAD 0.004%). This variant has not been reported in the literature in individuals affected with SCN3A-related conditions. ClinVar contains an entry for this variant (Variation ID: 431902). Invitae Evidence Modeling of protein sequence and biophysical properties (such as structural, functional, and spatial information, amino acid conservation, physicochemical variation, residue mobility, and thermodynamic stability) indicates that this missense variant is not expected to disrupt SCN3A protein function with a negative predictive value of 95%. In summary, the available evidence is currently insufficient to determine the role of this variant in disease. Therefore, it has been classified as a Variant of Uncertain Significance.

GeneDx
Classification: Uncertain significance. Last evaluated: 2024-04-26. Review status: criteria provided, single submitter. Criteria: GeneDx Variant Classification Process June 2021. Collection method: clinical testing. Allele origin: germline. Affected: yes.
Comment: In silico analysis indicates that this missense variant does not alter protein structure/function; Has not been previously published as pathogenic or benign to our knowledge

Genetics and Molecular Pathology, SA Pathology
Classification: Uncertain significance for Epilepsy, familial focal, with variable foci 4. Last evaluated: 2021-08-05. Review status: criteria provided, single submitter. Criteria: ACMG Guidelines, 2015. Collection method: clinical testing. Allele origin: germline. Affected: yes.

NM_006922.4(SCN3A):c.5881A>T (p.Ser1961Cys)

Gene: SCN3A (sodium voltage-gated channel alpha subunit 3; minus strand). Cytogenetic location: 2q24.3.
Variant type: single nucleotide variant.
Coding change: c.5881A>T on transcript NM_006922.4 (MANE Select); coding-DNA position 5881, A replaced by T.
Protein change: p.Ser1961Cys; replaces serine 1961 with cysteine.
Molecular consequence: missense variant.
Genome position (GRCh38, 1-based): chr2:165,090,272, T>A on the plus strand (A>T on the coding strand, the complement: SCN3A is on the minus strand). VCF-style: chr2-165090272-T-A. GRCh37 (hg19) VCF-style: chr2-165946782-T-A.
Other names: c.5734A>T, p.Ser1912Cys (NM_001081676.2, NM_001081677.2); short protein forms S1961C, S1912C.
Identifiers: ClinVar variation 431902 (VCV000431902.12), dbSNP rs184544899, ClinGen allele CA1938340.